The following is an entry in ClinVar:

ClinVar aggregate classification (germline): Uncertain significance. Review status: criteria provided, multiple submitters, no conflicts (2 of 4 stars). 2 submissions from 2 submitters: Uncertain significance (2). Last evaluated 2020-02-05.

Conditions:
Hereditary breast ovarian cancer syndrome. Also called: Hereditary breast and ovarian cancer syndrome; BRCA1- and BRCA2-Associated Hereditary Breast and Ovarian Cancer; Breast and ovarian cancer; Hereditary breast and/or ovarian cancer syndrome; Hereditary breast and ovarian cancer; Hereditary breast and ovarian cancer syndrome (HBOC). Identifiers: Orphanet 145, MedGen C0677776, MeSH D061325, MONDO:0003582. Disease mechanism: loss of function.
Hereditary cancer-predisposing syndrome. Also called: Neoplastic Syndromes, Hereditary; Tumor predisposition; Hereditary Cancer Syndrome; Hereditary neoplastic syndrome. Identifiers: Orphanet 140162, MedGen C0027672, MeSH D009386, MONDO:0015356.

Submissions (2):

Labcorp Genetics (formerly Invitae), Labcorp
Classification: Uncertain significance for Hereditary breast ovarian cancer syndrome. Last evaluated: 2020-02-05. Review status: criteria provided, single submitter. Criteria: Invitae Variant Classification Sherloc (09022015). Collection method: clinical testing. Allele origin: germline.
Comment: In summary, the available evidence is currently insufficient to determine the role of this variant in disease. Therefore, it has been classified as a Variant of Uncertain Significance. Experimental studies and prediction algorithms are not available or were not evaluated, and the functional significance of this variant is currently unknown. This variant has not been reported in the literature in individuals with BRCA2-related conditions. ClinVar contains an entry for this variant (Variation ID: 233551). This variant is not present in population databases (ExAC no frequency). This variant, c.711_713del, results in the deletion of 1 amino acid(s) of the BRCA2 protein (p.Asp237del), but otherwise preserves the integrity of the reading frame.

Ambry Genetics
Classification: Uncertain significance for Hereditary cancer-predisposing syndrome. Last evaluated: 2018-09-18. Review status: criteria provided, single submitter. Criteria: Ambry Variant Classification Scheme 2023. Collection method: clinical testing. Allele origin: germline.
Comment: The c.711_713delTGA variant (also known as p.D237del) is located in coding exon 8 of the BRCA2 gene. This variant results from an in-frame TGA deletion at nucleotide positions 711 to 713. This results in the in-frame deletion of an aspartic acid at codon 237. This amino acid position is not well conserved in available vertebrate species. Since supporting evidence is limited at this time, the clinical significance of this alteration remains unclear.

NM_000059.4(BRCA2):c.708TGA[1] (p.Asp237del)

Gene: BRCA2 (BRCA2 DNA repair associated; plus strand). Cytogenetic location: 13q13.1.
Variant type: Microsatellite.
Coding change: c.708TGA[1] on transcript NM_000059.4 (MANE Select); one copy of the 3-base unit TGA starting at c.708; the reference has two copies in a row; one copy, 3 bases deleted.
Protein change: p.Asp237del; deletes aspartic acid 237.
Molecular consequence: inframe deletion.
Genome position (GRCh38, 1-based): chr13:32,330,948-32,330,950, TGA deleted; deleting any 3 consecutive bases within chr13:32,330,944-32,330,950 gives the same sequence; the position shown is the placement nearest the transcript's 3' end. VCF-style (leftmost placement, unchanged base first): chr13-32330943-CATG-C. GRCh37 (hg19) VCF-style: chr13-32905080-CATG-C.
Other names: c.711_713delTGA (NM_000059.3); short protein forms D237del.
Identifiers: ClinVar variation 233551 (VCV000233551.16), dbSNP rs876660483, ClinGen allele CA10579469.